The following is an entry in ClinVar:

NM_020931.4(KIAA1586):c.1582T>G (p.Leu528Val)

Gene: KIAA1586 (KIAA1586; plus strand). Cytogenetic location: 6p12.1.
Variant type: single nucleotide variant.
Coding change: c.1582T>G on transcript NM_020931.4 (MANE Select); coding-DNA position 1582, T replaced by G.
Protein change: p.Leu528Val; replaces leucine 528 with valine.
Molecular consequence: missense variant.
Genome position (GRCh38, 1-based): chr6:57,054,081, T>G. VCF-style: chr6-57054081-T-G. GRCh37 (hg19) VCF-style: chr6-56918879-T-G.
Other names: c.1501T>G, p.Leu501Val (NM_001286274.2); c.1381T>G, p.Leu461Val (NM_001286275.2, NM_001286276.2); short protein forms L501V, L461V, L528V.
Identifiers: ClinVar variation 4994467 (VCV004994467.1).

ClinVar aggregate classification (germline): Uncertain significance (1 of 4 stars; one submission).

Conditions:
KIAA1586-related disorder. Also called: KIAA1586-related condition.

Submission:

PreventionGenetics, part of Exact Sciences
Classification: Uncertain significance for KIAA1586-related condition. Last evaluated: 2026-08-21. Review status: criteria provided, single submitter. Criteria: ACMG Guidelines, 2015. Collection method: clinical testing. Allele origin: germline.
Comment: The KIAA1586 c.1582T>G variant is predicted to result in the amino acid substitution p.Leu528Val. To our knowledge, this variant has not been reported in the literature or in a large population database (gnomAD), indicating this variant is rare. At this time, the clinical significance of this variant is uncertain due to the absence of conclusive functional and genetic evidence.